The following is an entry in ClinVar:

NM_001145784.2(BORCS8):c.354A>G (p.Ser118=)

Genes: BORCS8 (BLOC-1 related complex subunit 8; minus strand), BORCS8-MEF2B (BORCS8-MEF2B readthrough; minus strand). Cytogenetic location: 19p13.11.
Variant type: single nucleotide variant.
Coding change: c.354A>G on transcript NM_001145784.2 (MANE Select); coding-DNA position 354, A replaced by G.
Protein change: p.Ser118=; no amino-acid change (serine 118 retained).
Molecular consequence: synonymous variant. On other transcripts: 5 prime UTR variant (1), non-coding transcript variant (2).
Genome position (GRCh38, 1-based): chr19:19,180,734, T>C on the plus strand (A>G on the coding strand, the complement: BORCS8 is on the minus strand). VCF-style: chr19-19180734-T-C. GRCh37 (hg19) VCF-style: chr19-19291543-T-C.
Other names: c.-78A>G (NM_005919.4).
Identifiers: ClinVar variation 3777826 (VCV003777826.7).

ClinVar aggregate classification (germline): Likely benign (1 of 4 stars; one submission).

gnomAD v4.1: 6,004 of 1,550,506 alleles (0.39%); highest among the groups gnomAD compares: Non-Finnish European, 0.49%; 20 homozygotes.

Submission:

CeGaT Center for Human Genetics Tuebingen
Classification: Likely benign. Last evaluated: 2025-03-01. Review status: criteria provided, single submitter. Criteria: CeGaT Center For Human Genetics Tuebingen Variant Classification Criteria Version 2. Collection method: clinical testing. Allele origin: germline. Affected: yes. Observed: 1 variant allele.
Comment: BORCS8: BP4, BP7, BS2